The following is an entry in ClinVar:

ClinVar aggregate classification (germline): Uncertain significance. Review status: criteria provided, multiple submitters, no conflicts (2 of 4 stars). 2 submissions from 2 submitters: Uncertain significance (2). Last evaluated 2025-01-06.

Conditions:
Progressive myoclonic epilepsy. Also called: Progressive myoclonus epilepsy; Myoclonic Epilepsies, Progressive; Familial progressive myoclonic epilepsy; Myoclonus epilepsy. Identifiers: Orphanet 308, Orphanet 98261, MedGen C0751778, MONDO:0020074.
Lafora disease. Also called: Epilepsy progressive myoclonic 2; Progressive Myoclonus Epilepsy, Lafora Type. Identifiers: Orphanet 501, MedGen C0751783, MONDO:0009697.

Allele frequency attached by ClinVar (database versions not stated): gnomAD exomes below 0.00001.
gnomAD v4.1: 1 of 1,614,038 alleles (0.000062%); highest among the groups gnomAD compares: Admixed American, 0.0017%; no homozygotes.

Submissions (2):

Broad Center for Mendelian Genomics, Broad Institute of MIT and Harvard
Classification: Uncertain significance for Lafora disease. Last evaluated: 2025-01-06. Review status: criteria provided, single submitter. Criteria: ACMG Guidelines, 2015. Collection method: curation. Allele origin: germline. Inheritance: Autosomal recessive inheritance.
Comment: The p.Leu180Pro variant in EPM2A has been reported in at least one individual with Lafora disease (PMID: 31227012, 31471204, 33773408), and has been identified in 0.002% (1/44724) of Admixed American chromosomes by the Genome Aggregation Database (gnomAD). Although this variant has been seen in the general population in a heterozygous state, its frequency is not high enough to rule out a pathogenic role. This variant has also been reported in ClinVar (Variation ID: 1496515) and has been interpreted as a variant of uncertain significance by Invitae. Computational prediction tools and conservation analyses suggest that this variant may impact the protein, though this information is not predictive enough to determine pathogenicity. The phenotype of an individual heterozygous for this variant is highly specific for Lafora disease based on Lafora bodies identified via biopsy consistent with disease (PMID: 33773408). In summary, the clinical significance of the p.Leu180Pro variant is uncertain. ACMG/AMP Criteria applied: PP3, PM2_supporting, PP4 (Richards 2015).

Labcorp Genetics (formerly Invitae), Labcorp
Classification: Uncertain significance for Progressive myoclonic epilepsy. Last evaluated: 2021-06-24. Review status: criteria provided, single submitter. Criteria: Invitae Variant Classification Sherloc (09022015). Collection method: clinical testing. Allele origin: germline.
Comment: This sequence change replaces leucine with proline at codon 180 of the EPM2A protein (p.Leu180Pro). The leucine residue is highly conserved and there is a moderate physicochemical difference between leucine and proline. This variant is not present in population databases (ExAC no frequency). This variant has been observed in individual(s) with Lafora disease (PMID: 31227012). Algorithms developed to predict the effect of missense changes on protein structure and function (SIFT, PolyPhen-2, Align-GVGD) all suggest that this variant is likely to be disruptive. In summary, the available evidence is currently insufficient to determine the role of this variant in disease. Therefore, it has been classified as a Variant of Uncertain Significance.

Literature cited by the submitters: PubMed 31227012 (cited by Labcorp Genetics (formerly Invitae), Labcorp).

NM_005670.4(EPM2A):c.539T>C (p.Leu180Pro)

Gene: EPM2A (EPM2A glucan phosphatase, laforin; minus strand). Cytogenetic location: 6q24.3.
Variant type: single nucleotide variant.
Coding change: c.539T>C on transcript NM_005670.4 (MANE Select); coding-DNA position 539, T replaced by C.
Protein change: p.Leu180Pro; replaces leucine 180 with proline.
Molecular consequence: missense variant. On other transcripts: intron variant (1).
Genome position (GRCh38, 1-based): chr6:145,635,424, A>G on the plus strand (T>C on the coding strand, the complement: EPM2A is on the minus strand). VCF-style: chr6-145635424-A-G. GRCh37 (hg19) VCF-style: chr6-145956560-A-G.
Other names: NM_005670.4(EPM2A):c.539T>C; p.Leu180Pro; c.539T>C, p.Leu180Pro (NM_001018041.2, NM_001368130.1); c.125T>C, p.Leu42Pro (NM_001360064.2, NM_001360071.2, NM_001368131.1); c.77T>C, p.Leu26Pro (NM_001368129.2, NM_001368132.1); c.477-7731T>C (NM_001360057.2); short protein forms L180P, L42P, L26P.
Identifiers: ClinVar variation 1496515 (VCV001496515.9), dbSNP rs1490039469, ClinGen allele CA366191466.